The following is an entry in ClinVar:

ClinVar aggregate classification (germline): Uncertain significance (1 of 4 stars; one submission).

Conditions:
Cardiovascular phenotype. Identifiers: MedGen CN230736.

Submission:

Ambry Genetics
Classification: Uncertain significance for Cardiovascular phenotype. Last evaluated: 2025-06-01. Review status: criteria provided, single submitter. Criteria: Ambry Variant Classification Scheme 2023. Collection method: clinical testing. Allele origin: germline.
Comment: The p.E3191D variant (also known as c.9573G>C), located in coding exon 2 of the ZNF469 gene, results from a G to C substitution at nucleotide position 9573. The glutamic acid at codon 3191 is replaced by aspartic acid, an amino acid with highly similar properties. This amino acid position is conserved. In addition, this alteration is predicted to be tolerated by in silico analysis. Based on the available evidence, the clinical significance of this variant remains unclear.

NM_001367624.2(ZNF469):c.9657G>C (p.Glu3219Asp)

Gene: ZNF469 (zinc finger protein 469; plus strand). Cytogenetic location: 16q24.2.
Variant type: single nucleotide variant.
Coding change: c.9657G>C on transcript NM_001367624.2 (MANE Select); coding-DNA position 9657, G replaced by C.
Protein change: p.Glu3219Asp; replaces glutamic acid 3219 with aspartic acid.
Molecular consequence: missense variant.
Genome position (GRCh38, 1-based): chr16:88,437,127, G>C. VCF-style: chr16-88437127-G-C. GRCh37 (hg19) VCF-style: chr16-88503535-G-C.
Other names: NM_001127464.1:c.9573G>C; short protein forms E3219D.
Identifiers: ClinVar variation 3987377 (VCV003987377.1).